The following is an entry in ClinVar:

ClinVar aggregate classification (germline): Uncertain significance (1 of 4 stars; one submission).

Conditions:
Combined immunodeficiency due to LRBA deficiency. Also called: Common variable immunodeficiency 8, with autoimmunity. Identifiers: Orphanet 445018, MedGen C3553512, MONDO:0013863, OMIM 614700.

Allele frequency attached by ClinVar (database versions not stated): ExAC 0.00001; gnomAD exomes 0.00001.
gnomAD v4.1: 8 of 1,557,818 alleles (0.00051%); highest among the groups gnomAD compares: Admixed American, 0.0017%; no homozygotes.

Submission:

Labcorp Genetics (formerly Invitae), Labcorp
Classification: Uncertain significance for Combined immunodeficiency due to LRBA deficiency. Last evaluated: 2022-08-09. Review status: criteria provided, single submitter. Criteria: Invitae Variant Classification Sherloc (09022015). Collection method: clinical testing. Allele origin: germline.
Comment: This sequence change falls in intron 18 of the LRBA gene. It does not directly change the encoded amino acid sequence of the LRBA protein. It affects a nucleotide within the consensus splice site. This variant is present in population databases (rs748427487, gnomAD 0.003%). This variant has not been reported in the literature in individuals affected with LRBA-related conditions. ClinVar contains an entry for this variant (Variation ID: 647754). Variants that disrupt the consensus splice site are a relatively common cause of aberrant splicing (PMID: 17576681, 9536098). Algorithms developed to predict the effect of sequence changes on RNA splicing suggest that this variant is not likely to affect RNA splicing. In summary, the available evidence is currently insufficient to determine the role of this variant in disease. Therefore, it has been classified as a Variant of Uncertain Significance.

Literature cited by the submitters: PubMed 17576681; PubMed 9536098.

NM_001364905.1(LRBA):c.2259-3C>T

Gene: LRBA (LPS responsive beige-like anchor protein; minus strand). Cytogenetic location: 4q31.3.
Variant type: single nucleotide variant.
Coding change: c.2259-3C>T on transcript NM_001364905.1 (MANE Select); 3 bases into the intron before coding-DNA position 2259, C replaced by T.
Molecular consequence: intron variant.
Genome position (GRCh38, 1-based): chr4:150,871,456, G>A on the plus strand (C>T on the coding strand, the complement: LRBA is on the minus strand). VCF-style: chr4-150871456-G-A. GRCh37 (hg19) VCF-style: chr4-151792608-G-A.
Other names: c.2259-3C>T (NM_001367550.1, NM_006726.5, NM_001199282.3 and 2 more transcripts).
Identifiers: ClinVar variation 647754 (VCV000647754.8), dbSNP rs748427487, ClinGen allele CA3103313.